The following is an entry in ClinVar:

ClinVar aggregate classification (germline): Uncertain significance. Review status: criteria provided, multiple submitters, no conflicts (2 of 4 stars). 4 submissions from 4 submitters: Uncertain significance (4). Last evaluated 2025-12-10.

Conditions:
Hypertrophic cardiomyopathy. Also called: HYPERTROPHIC MYOCARDIOPATHY. Identifiers: Orphanet 217569, MedGen C0007194, MeSH D002312, MONDO:0005045, HP:0001639.
Cardiomyopathy (CMYO). Also called: Cardiomyopathies. Identifiers: Orphanet 167848, MedGen C0878544, MONDO:0004994, HP:0001638. Inheritance: Various modes of inheritance.
Cardiovascular phenotype. Identifiers: MedGen CN230736.

Submissions (4):

Labcorp Genetics (formerly Invitae), Labcorp
Classification: Uncertain significance for Hypertrophic cardiomyopathy. Last evaluated: 2025-12-10. Review status: criteria provided, single submitter. Criteria: Invitae Variant Classification Sherloc (09022015). Collection method: clinical testing. Allele origin: germline.
Comment: This sequence change replaces serine, which is neutral and polar, with tyrosine, which is neutral and polar, at codon 1140 of the MYH7 protein (p.Ser1140Tyr). This variant is not present in population databases (gnomAD no frequency). This variant has not been reported in the literature in individuals affected with MYH7-related conditions. ClinVar contains an entry for this variant (Variation ID: 3387314). Invitae Evidence Modeling of protein sequence and biophysical properties (such as structural, functional, and spatial information, amino acid conservation, physicochemical variation, residue mobility, and thermodynamic stability) indicates that this missense variant is expected to disrupt MYH7 protein function with a positive predictive value of 95%. In summary, the available evidence is currently insufficient to determine the role of this variant in disease. Therefore, it has been classified as a Variant of Uncertain Significance.

Ambry Genetics
Classification: Uncertain significance for Cardiovascular phenotype. Last evaluated: 2025-09-19. Review status: criteria provided, single submitter. Criteria: Ambry Variant Classification Scheme 2023. Collection method: clinical testing. Allele origin: germline.
Comment: The p.S1140Y variant (also known as c.3419C>A), located in coding exon 25 of the MYH7 gene, results from a C to A substitution at nucleotide position 3419. The serine at codon 1140 is replaced by tyrosine, an amino acid with dissimilar properties. This amino acid position is well conserved in available vertebrate species. In addition, the in silico prediction for this alteration is inconclusive. Based on the available evidence, the clinical significance of this variant remains unclear.

All of Us Research Program, National Institutes of Health
Classification: Uncertain significance for Cardiomyopathy. Last evaluated: 2024-07-20. Review status: criteria provided, single submitter. Criteria: ACMG Guidelines, 2015. Collection method: clinical testing. Allele origin: germline. Inheritance: Autosomal dominant inheritance. Observed: 1 variant allele, 1 heterozygote.
Comment: This missense variant replaces serine with tyrosine at codon 1140 of the MYH7 protein. Computational prediction suggests that this variant may have deleterious impact on protein structure and function (internally defined REVEL score threshold >= 0.7, PMID: 27666373). To our knowledge, functional studies have not been reported for this variant. This variant has not been reported in individuals affected with MYH7-related disorders in the literature. This variant has not been identified in the general population by the Genome Aggregation Database (gnomAD). The available evidence is insufficient to determine the role of this variant in disease conclusively. Therefore, this variant is classified as a Variant of Uncertain Significance.

This study involves interpretation of variants in research participants for the purpose of population health screening. Participant phenotype was not available at the time of variant classification. Additional details can be found in publication PMID: 35346344, PMCID: PMC8962531

Color Diagnostics, LLC DBA Color Health
Classification: Uncertain significance for Cardiomyopathy. Last evaluated: 2024-07-10. Review status: criteria provided, single submitter. Criteria: ACMG Guidelines, 2015. Collection method: clinical testing. Allele origin: germline.
Comment: This missense variant replaces serine with tyrosine at codon 1140 of the MYH7 protein. Computational prediction suggests that this variant may have deleterious impact on protein structure and function. To our knowledge, functional studies have not been reported for this variant. This variant has not been reported in individuals affected with MYH7-related disorders in the literature. This variant has not been identified in the general population by the Genome Aggregation Database (gnomAD). The available evidence is insufficient to determine the role of this variant in disease conclusively. Therefore, this variant is classified as a Variant of Uncertain Significance.

NM_000257.4(MYH7):c.3419C>A (p.Ser1140Tyr)

Gene: MYH7 (myosin heavy chain 7; minus strand). Cytogenetic location: 14q11.2.
Variant type: single nucleotide variant.
Coding change: c.3419C>A on transcript NM_000257.4 (MANE Select); coding-DNA position 3419, C replaced by A.
Protein change: p.Ser1140Tyr; replaces serine 1140 with tyrosine.
Molecular consequence: missense variant.
Genome position (GRCh38, 1-based): chr14:23,420,152, G>T on the plus strand (C>A on the coding strand, the complement: MYH7 is on the minus strand). VCF-style: chr14-23420152-G-T. GRCh37 (hg19) VCF-style: chr14-23889361-G-T.
Other names: c.3419C>A, p.Ser1140Tyr (NM_001407004.1); short protein forms S1140Y.
Identifiers: ClinVar variation 3387314 (VCV003387314.3).